The following is an entry in ClinVar:

ClinVar aggregate classification (germline): Likely benign. Review status: criteria provided, multiple submitters, no conflicts (2 of 4 stars). 3 submissions from 3 submitters: Likely benign (3). Last evaluated 2025-12-10.

Conditions:
BAP1-related tumor predisposition syndrome (TPDS1). Also called: Tumor susceptibility linked to germline BAP1 mutations; COMMON Syndrome; TUMOR PREDISPOSITION SYNDROME 1; BAP1 tumor predisposition syndrome. Identifiers: Orphanet 289539, MedGen C3280492, MONDO:0013692, OMIM 614327.
Hereditary cancer-predisposing syndrome. Also called: Neoplastic Syndromes, Hereditary; Tumor predisposition; Hereditary Cancer Syndrome; Hereditary neoplastic syndrome. Identifiers: Orphanet 140162, MedGen C0027672, MeSH D009386, MONDO:0015356.

Allele frequency attached by ClinVar (database versions not stated): gnomAD exomes below 0.00001; gnomAD 0.00001; TOPMed 0.00001.
gnomAD v4.1: 2 of 1,612,238 alleles (0.00012%); highest among the groups gnomAD compares: African/African-American, 0.0027%; no homozygotes.

Submissions (3):

Labcorp Genetics (formerly Invitae), Labcorp
Classification: Likely benign for BAP1-related tumor predisposition syndrome. Last evaluated: 2025-12-10. Review status: criteria provided, single submitter. Criteria: Invitae Variant Classification Sherloc (09022015). Collection method: clinical testing. Allele origin: germline.

Myriad Genetics, Inc.
Classification: Likely benign for BAP1-related tumor predisposition syndrome. Last evaluated: 2024-07-15. Review status: criteria provided, single submitter. Criteria: Myriad Autosomal Dominant, Autosomal Recessive and X-Linked Classification Criteria (2023). Collection method: clinical testing. Allele origin: unknown.
Comment: This variant is considered likely benign. This variant is intronic and is not expected to impact mRNA splicing.

Color Diagnostics, LLC DBA Color Health
Classification: Likely benign for Hereditary cancer-predisposing syndrome. Last evaluated: 2019-04-08. Review status: criteria provided, single submitter. Criteria: ACMG Guidelines, 2015. Collection method: clinical testing. Allele origin: germline.

NM_004656.4(BAP1):c.1117-8T>C

Gene: BAP1 (BRCA1 associated deubiquitinase 1; minus strand). Cytogenetic location: 3p21.1.
Variant type: single nucleotide variant.
Coding change: c.1117-8T>C on transcript NM_004656.4 (MANE Select); 8 bases into the intron before coding-DNA position 1117, T replaced by C.
Molecular consequence: intron variant.
Genome position (GRCh38, 1-based): chr3:52,404,594, A>G on the plus strand (T>C on the coding strand, the complement: BAP1 is on the minus strand). VCF-style: chr3-52404594-A-G. GRCh37 (hg19) VCF-style: chr3-52438610-A-G.
Identifiers: ClinVar variation 925926 (VCV000925926.11), dbSNP rs901319558, ClinGen allele CA74741510.